The following is an entry in ClinVar:

ClinVar aggregate classification (germline): Uncertain significance (1 of 4 stars; one submission).

Conditions:
Cardiovascular phenotype. Identifiers: MedGen CN230736.

Submission:

Ambry Genetics
Classification: Uncertain significance for Cardiovascular phenotype. Last evaluated: 2023-07-12. Review status: criteria provided, single submitter. Criteria: Ambry Variant Classification Scheme 2023. Collection method: clinical testing. Allele origin: germline.
Comment: The p.V153A variant (also known as c.458T>C), located in coding exon 4 of the LAMA4 gene, results from a T to C substitution at nucleotide position 458. The valine at codon 153 is replaced by alanine, an amino acid with similar properties. This amino acid position is conserved. In addition, the in silico prediction for this alteration is inconclusive. Since supporting evidence is limited at this time, the clinical significance of this alteration remains unclear.

NM_001105206.3(LAMA4):c.458T>C (p.Val153Ala)

Gene: LAMA4 (laminin subunit alpha 4; minus strand). Cytogenetic location: 6q21.
Variant type: single nucleotide variant.
Coding change: c.458T>C on transcript NM_001105206.3 (MANE Select); coding-DNA position 458, T replaced by C.
Protein change: p.Val153Ala; replaces valine 153 with alanine.
Molecular consequence: missense variant.
Genome position (GRCh38, 1-based): chr6:112,201,653, A>G on the plus strand (T>C on the coding strand, the complement: LAMA4 is on the minus strand). VCF-style: chr6-112201653-A-G. GRCh37 (hg19) VCF-style: chr6-112522854-A-G.
Other names: c.458T>C, p.Val153Ala (NM_001105207.3, NM_002290.5); short protein forms V153A.
Identifiers: ClinVar variation 2625036 (VCV002625036.2), dbSNP rs2547179789, ClinGen allele CA365379768.